The following is an entry in ClinVar:

NM_003238.6(TGFB2):c.751G>T (p.Ala251Ser)

Gene: TGFB2 (transforming growth factor beta 2; plus strand). Cytogenetic location: 1q41.
Variant type: single nucleotide variant.
Coding change: c.751G>T on transcript NM_003238.6 (MANE Select); coding-DNA position 751, G replaced by T.
Protein change: p.Ala251Ser; replaces alanine 251 with serine.
Molecular consequence: missense variant. On other transcripts: non-coding transcript variant (2).
Genome position (GRCh38, 1-based): chr1:218,434,445, G>T. VCF-style: chr1-218434445-G-T. GRCh37 (hg19) VCF-style: chr1-218607787-G-T.
Other names: c.835G>T, p.Ala279Ser (NM_001135599.4); short protein forms A279S, A251S.
Identifiers: ClinVar variation 1035143 (VCV001035143.12), dbSNP rs769911912, ClinGen allele CA1398592.

ClinVar aggregate classification (germline): Uncertain significance. Review status: criteria provided, multiple submitters, no conflicts (2 of 4 stars). 2 submissions from 2 submitters: Uncertain significance (2). Last evaluated 2024-08-15.

Conditions:
Loeys-Dietz syndrome 4 (LDS4). Also called: ANEURYSM, AORTIC AND CEREBRAL, WITH ARTERIAL TORTUOSITY AND SKELETAL MANIFESTATIONS; TGFB2-Related Loeys-Dietz Syndrome. Identifiers: MedGen C3553762, MONDO:0013897, OMIM 614816.

Allele frequency attached by ClinVar (database versions not stated): TOPMed below 0.00001; gnomAD 0.00001; gnomAD exomes 0.00001; ExAC 0.00002.
gnomAD v4.1: 11 of 1,607,584 alleles (0.00068%); highest among the groups gnomAD compares: South Asian, 0.0077%; no homozygotes.

Submissions (2):

Labcorp Genetics (formerly Invitae), Labcorp
Classification: Uncertain significance for Loeys-Dietz syndrome 4. Last evaluated: 2024-08-15. Review status: criteria provided, single submitter. Criteria: Invitae Variant Classification Sherloc (09022015). Collection method: clinical testing. Allele origin: germline.
Comment: This sequence change replaces alanine, which is neutral and non-polar, with serine, which is neutral and polar, at codon 251 of the TGFB2 protein (p.Ala251Ser). This variant is present in population databases (rs769911912, gnomAD 0.01%). This missense change has been observed in individual(s) with Noonan syndrome or aortopathy (PMID: 25049390, 30675029). This variant is also known as p.Ala279Ser. ClinVar contains an entry for this variant (Variation ID: 1035143). Invitae Evidence Modeling of protein sequence and biophysical properties (such as structural, functional, and spatial information, amino acid conservation, physicochemical variation, residue mobility, and thermodynamic stability) indicates that this missense variant is not expected to disrupt TGFB2 protein function with a negative predictive value of 80%. In summary, the available evidence is currently insufficient to determine the role of this variant in disease. Therefore, it has been classified as a Variant of Uncertain Significance.

Fulgent Genetics
Classification: Uncertain significance for Loeys-Dietz syndrome 4. Last evaluated: 2021-08-24. Review status: criteria provided, single submitter. Criteria: ACMG Guidelines, 2015. Collection method: clinical testing. Allele origin: unknown.

Literature cited by the submitters: PubMed 25049390 (cited by Labcorp Genetics (formerly Invitae), Labcorp); PubMed 30675029 (cited by Labcorp Genetics (formerly Invitae), Labcorp).